The following is an entry in ClinVar:

ClinVar aggregate classification (germline): Uncertain significance (1 of 4 stars; one submission).

Allele frequency attached by ClinVar (database versions not stated): TOPMed below 0.00001; gnomAD 0.00001; gnomAD exomes 0.00001.

Submission:

GeneDx
Classification: Uncertain significance. Last evaluated: 2023-02-16. Review status: criteria provided, single submitter. Criteria: GeneDx Variant Classification Process June 2021. Collection method: clinical testing. Allele origin: germline. Affected: yes.
Comment: Frameshift variant predicted to result in protein truncation or nonsense mediated decay in a gene or region of a gene for which loss of function is not a well-established mechanism of disease; Not observed at significant frequency in large population cohorts (gnomAD); Has not been previously published as pathogenic or benign to our knowledge

NM_001367479.1(DNAH14):c.5781del (p.Leu1928fs)

Gene: DNAH14 (dynein axonemal heavy chain 14; plus strand). Cytogenetic location: 1q42.12.
Variant type: Deletion.
Coding change: c.5781del on transcript NM_001367479.1 (MANE Select); coding-DNA position 5781, one base deleted (A; older notation c.5781delA).
Protein change: p.Leu1928fs; shifts the reading frame from leucine 1928.
Molecular consequence: frameshift variant.
Genome position (GRCh38, 1-based): chr1:225,192,806, A deleted. VCF-style (leftmost placement, unchanged base first): chr1-225192805-GA-G. GRCh37 (hg19) VCF-style: chr1-225380507-GA-G.
Other names: NM_001373.1:c.5715del; short protein forms L1928fs.
Identifiers: ClinVar variation 2576735 (VCV002576735.1), dbSNP rs1466021780, ClinGen allele CA529467688.